The following is an entry in ClinVar:

ClinVar aggregate classification (germline): Uncertain significance (1 of 4 stars; one submission).

Conditions:
Hereditary nonpolyposis colorectal neoplasms. Identifiers: MedGen C0009405, MeSH D003123.

Submission:

Labcorp Genetics (formerly Invitae), Labcorp
Classification: Uncertain significance for Hereditary nonpolyposis colorectal neoplasms. Last evaluated: 2025-07-05. Review status: criteria provided, single submitter. Criteria: Invitae Variant Classification Sherloc (09022015). Collection method: clinical testing. Allele origin: germline.
Comment: This sequence change replaces leucine, which is neutral and non-polar, with valine, which is neutral and non-polar, at codon 617 of the MSH6 protein (p.Leu617Val). This variant is not present in population databases (gnomAD no frequency). This variant has not been reported in the literature in individuals affected with MSH6-related conditions. Invitae Evidence Modeling of protein sequence and biophysical properties (such as structural, functional, and spatial information, amino acid conservation, physicochemical variation, residue mobility, and thermodynamic stability) indicates that this missense variant is not expected to disrupt MSH6 protein function with a negative predictive value of 95%. In summary, the available evidence is currently insufficient to determine the role of this variant in disease. Therefore, it has been classified as a Variant of Uncertain Significance.

NM_000179.3(MSH6):c.1849C>G (p.Leu617Val)

Gene: MSH6 (mutS homolog 6; plus strand). Cytogenetic location: 2p16.3.
Variant type: single nucleotide variant.
Coding change: c.1849C>G on transcript NM_000179.3 (MANE Select); coding-DNA position 1849, C replaced by G.
Protein change: p.Leu617Val; replaces leucine 617 with valine.
Molecular consequence: missense variant. On other transcripts: non-coding transcript variant (4), intron variant (2).
Genome position (GRCh38, 1-based): chr2:47,799,832, C>G. VCF-style: chr2-47799832-C-G. GRCh37 (hg19) VCF-style: chr2-48026971-C-G.
Other names: c.943C>G, p.Leu315Val (NM_001406811.1, NM_001406812.1, NM_001406814.1 and 6 more transcripts); c.1855C>G, p.Leu619Val (NM_001406813.1); c.1552C>G, p.Leu518Val (NM_001406818.1, NM_001406819.1, NM_001406820.1 and 10 more transcripts); c.1849C>G, p.Leu617Val (NM_001406808.1, NM_001406809.1, NM_001406796.1 and 3 more transcripts); c.1459C>G, p.Leu487Val (NM_001281492.2); c.1945C>G, p.Leu649Val (NM_001406795.1, NM_001406802.1); c.1324C>G, p.Leu442Val (NM_001406799.1, NM_001406806.1, NM_001406807.1); c.1771C>G, p.Leu591Val (NM_001406804.1); and 3 more; short protein forms L487V, L617V, L315V, L518V, L442V, L591V, L649V, L561V.
Identifiers: ClinVar variation 4778446 (VCV004778446.1).